The following is an entry in ClinVar:

ClinVar aggregate classification (germline): Likely benign (1 of 4 stars; one submission).

Submission:

CeGaT Center for Human Genetics Tuebingen
Classification: Likely benign. Last evaluated: 2024-10-01. Review status: criteria provided, single submitter. Criteria: CeGaT Center For Human Genetics Tuebingen Variant Classification Criteria Version 2. Collection method: clinical testing. Allele origin: germline. Affected: yes. Observed: 1 variant allele.
Comment: MAD1L1: BS1

NM_001013836.2(MAD1L1):c.472-1504_472-1503del

Gene: MAD1L1 (mitotic arrest deficient 1 like 1; minus strand). Cytogenetic location: 7p22.3.
Variant type: Deletion.
Coding change: c.472-1504_472-1503del on transcript NM_001013836.2 (MANE Select); 1504 bases into the intron before coding-DNA position 472 through 1503 bases into the intron before coding-DNA position 472, 2 bases deleted (CC; older notation c.472-1504_472-1503delCC).
Molecular consequence: intron variant. On other transcripts: frameshift variant (1).
Genome position (GRCh38, 1-based): chr7:2,220,959-2,220,960, GG deleted on the plus strand (CC on the coding strand, the reverse complement: MAD1L1 is on the minus strand). VCF-style (leftmost placement, unchanged base first): chr7-2220958-CGG-C. GRCh37 (hg19) VCF-style: chr7-2260593-CGG-C.
Other names: c.119_120del, p.Ser40fs (NM_001304524.2); c.472-1504_472-1503del (NM_001304523.2, NM_001013837.2, NM_003550.3); short protein forms S40fs.
Identifiers: ClinVar variation 3387833 (VCV003387833.14).